The following is an entry in ClinVar:

NM_022124.6(CDH23):c.4206+5G>A

Genes: C10orf105 (chromosome 10 open reading frame 105; minus strand), CDH23 (cadherin related 23; plus strand). Cytogenetic location: 10q22.1.
Variant type: single nucleotide variant.
Coding change: c.4206+5G>A on transcript NM_022124.6 (MANE Select); 5 bases into the intron after coding-DNA position 4206, G replaced by A.
Molecular consequence: intron variant.
Genome position (GRCh38, 1-based): chr10:71,734,346, G>A. VCF-style: chr10-71734346-G-A. GRCh37 (hg19) VCF-style: chr10-73494103-G-A.
Other names: c.-6+3382C>T (NM_001168390.2).
Identifiers: ClinVar variation 834732 (VCV000834732.6), dbSNP rs768842900, ClinGen allele CA5544938.
Genomic context (GRCh38, chr10:71,734,346, plus strand): 5'-TCTATACCTTGACAGTGGTGGCAGATGACGGCGGCCCCAAGGTGGACTCCACCGTGGTGA[G>A]TGGGACCAGGGTGAGAGTCCCTCAGGTGCGGCCCATCGCTGGCCATGACACTTCCTAACC-3'

ClinVar aggregate classification (germline): Uncertain significance. Review status: criteria provided, single submitter (1 of 4 stars). 2 submissions from 2 submitters: Uncertain significance (1). 1 of the submissions does not count toward it. Last evaluated 2022-02-17.

Conditions:
Usher syndrome type 1 (USH1). Also called: RETINITIS PIGMENTOSA AND CONGENITAL DEAFNESS. Identifiers: Orphanet 231169, Orphanet 886, MedGen C1568247, MONDO:0010168, OMIM 276900.

Allele frequency attached by ClinVar (database versions not stated): TOPMed 0.00001; gnomAD exomes 0.00002 and 0.00003; ExAC 0.00003.
gnomAD v4.1: 24 of 1,603,092 alleles (0.0015%); highest among the groups gnomAD compares: South Asian, 0.022%; no homozygotes.

Submissions (2):

Labcorp Genetics (formerly Invitae), Labcorp
Classification: Uncertain significance. Last evaluated: 2022-02-17. Review status: criteria provided, single submitter. Criteria: Invitae Variant Classification Sherloc (09022015). Collection method: clinical testing. Allele origin: germline.
Comment: This sequence change falls in intron 33 of the CDH23 gene. It does not directly change the encoded amino acid sequence of the CDH23 protein. It affects a nucleotide within the consensus splice site. This variant is present in population databases (rs768842900, gnomAD 0.02%). This variant has not been reported in the literature in individuals affected with CDH23-related conditions. ClinVar contains an entry for this variant (Variation ID: 834732). Variants that disrupt the consensus splice site are a relatively common cause of aberrant splicing (PMID: 17576681, 9536098). Algorithms developed to predict the effect of sequence changes on RNA splicing suggest that this variant may disrupt the consensus splice site. In summary, the available evidence is currently insufficient to determine the role of this variant in disease. Therefore, it has been classified as a Variant of Uncertain Significance.

Natera, Inc.
Classification: Uncertain significance for Usher syndrome type 1. Last evaluated: 2020-03-24. Review status: no assertion criteria provided. Collection method: clinical testing. Allele origin: germline. Not counted in ClinVar's aggregate classification.

Literature cited by the submitters: PubMed 17576681 (cited by Labcorp Genetics (formerly Invitae), Labcorp); PubMed 9536098 (cited by Labcorp Genetics (formerly Invitae), Labcorp).